The following is an entry in ClinVar:

ClinVar aggregate classification (germline): Uncertain significance (1 of 4 stars; one submission).

Allele frequency attached by ClinVar (database versions not stated): gnomAD exomes below 0.00001; gnomAD 0.00001.
gnomAD v4.1: 2 of 1,614,052 alleles (0.00012%); highest among the groups gnomAD compares: African/African-American, 0.0013%; no homozygotes.

Submission:

Labcorp Genetics (formerly Invitae), Labcorp
Classification: Uncertain significance. Last evaluated: 2023-05-17. Review status: criteria provided, single submitter. Criteria: Invitae Variant Classification Sherloc (09022015). Collection method: clinical testing. Allele origin: germline.
Comment: This sequence change replaces serine, which is neutral and polar, with phenylalanine, which is neutral and non-polar, at codon 1637 of the FAT2 protein (p.Ser1637Phe). This variant is present in population databases (no rsID available, gnomAD 0.01%). This variant has not been reported in the literature in individuals affected with FAT2-related conditions. An algorithm developed to predict the effect of missense changes on protein structure and function (PolyPhen-2) suggests that this variant is likely to be tolerated. In summary, the available evidence is currently insufficient to determine the role of this variant in disease. Therefore, it has been classified as a Variant of Uncertain Significance.

NM_001447.3(FAT2):c.4910C>T (p.Ser1637Phe)

Genes: FAT2 (FAT atypical cadherin 2; minus strand), SLC36A1 (solute carrier family 36 member 1; plus strand). Cytogenetic location: 5q33.1.
Variant type: single nucleotide variant.
Coding change: c.4910C>T on transcript NM_001447.3 (MANE Select); coding-DNA position 4910, C replaced by T.
Protein change: p.Ser1637Phe; replaces serine 1637 with phenylalanine.
Molecular consequence: missense variant.
Genome position (GRCh38, 1-based): chr5:151,546,217, G>A on the plus strand (C>T on the coding strand, the complement: FAT2 is on the minus strand). VCF-style: chr5-151546217-G-A. GRCh37 (hg19) VCF-style: chr5-150925778-G-A.
Other names: short protein forms S1637F.
Identifiers: ClinVar variation 2862310 (VCV002862310.3), dbSNP rs1277003733, ClinGen allele CA361844236.